The following is an entry in ClinVar:

NM_182961.4(SYNE1):c.25241C>T (p.Thr8414Met)

Gene: SYNE1 (spectrin repeat containing nuclear envelope protein 1; minus strand). Cytogenetic location: 6q25.2.
Variant type: single nucleotide variant.
Coding change: c.25241C>T on transcript NM_182961.4 (MANE Select); coding-DNA position 25241, C replaced by T.
Protein change: p.Thr8414Met; replaces threonine 8414 with methionine.
Molecular consequence: missense variant.
Genome position (GRCh38, 1-based): chr6:152,141,208, G>A on the plus strand (C>T on the coding strand, the complement: SYNE1 is on the minus strand). VCF-style: chr6-152141208-G-A. GRCh37 (hg19) VCF-style: chr6-152462343-G-A.
Other names: c.1847C>T, p.Thr616Met (NM_001347701.2); c.1775C>T, p.Thr592Met (NM_001347702.2); c.25097C>T, p.Thr8366Met (NM_033071.5); c.25241C>T (NM_182961.2); short protein forms T8366M, T8414M, T616M, T592M.
Identifiers: ClinVar variation 538403 (VCV000538403.11), dbSNP rs759512753, ClinGen allele CA4052892.

ClinVar aggregate classification (germline): Uncertain significance. Review status: criteria provided, multiple submitters, no conflicts (2 of 4 stars). 3 submissions from 3 submitters: Uncertain significance (3). Last evaluated 2025-10-01.

Conditions:
Autosomal recessive ataxia, Beauce type. Also called: SYNE1-Related Autosomal Recessive Cerebellar Ataxia; Spinocerebellar ataxia, autosomal recessive 8; ATAXIA, RECESSIVE, OF BEAUCE; SYNE1 Deficiency. Identifiers: Orphanet 88644, MedGen C1853116, MONDO:0012549, OMIM 610743.
Emery-Dreifuss muscular dystrophy 4, autosomal dominant (EDMD4). Also called: EMERY-DREIFUSS MUSCULAR DYSTROPHY 4 WITH VARIABLE FEATURES. Identifiers: Orphanet 261, MedGen C2751807, MONDO:0013071, OMIM 612998.

Allele frequency attached by ClinVar (database versions not stated): gnomAD 0.00003 and 0.00004; TOPMed 0.00003; ExAC 0.00007; gnomAD exomes 0.00008.
gnomAD v4.1: 67 of 1,614,004 alleles (0.0042%); highest among the groups gnomAD compares: East Asian, 0.06%; no homozygotes.

Submissions (3):

Labcorp Genetics (formerly Invitae), Labcorp
Classification: Uncertain significance for Emery-Dreifuss muscular dystrophy 4, autosomal dominant; Autosomal recessive ataxia, Beauce type. Last evaluated: 2025-10-01. Review status: criteria provided, single submitter. Criteria: Invitae Variant Classification Sherloc (09022015). Collection method: clinical testing. Allele origin: germline.
Comment: This sequence change replaces threonine, which is neutral and polar, with methionine, which is neutral and non-polar, at codon 8366 of the SYNE1 protein (p.Thr8366Met). This variant is present in population databases (rs759512753, gnomAD 0.1%). This variant has not been reported in the literature in individuals affected with SYNE1-related conditions. ClinVar contains an entry for this variant (Variation ID: 538403). An algorithm developed to predict the effect of missense changes on protein structure and function outputs the following: PolyPhen-2: "Benign". The methionine amino acid residue is found in multiple mammalian species, which suggests that this missense change does not adversely affect protein function. In summary, the available evidence is currently insufficient to determine the role of this variant in disease. Therefore, it has been classified as a Variant of Uncertain Significance.

Athena Diagnostics
Classification: Uncertain significance. Last evaluated: 2024-05-31. Review status: criteria provided, single submitter. Criteria: Athena Diagnostics Criteria. Collection method: clinical testing. Allele origin: unknown.
Comment: Available data are insufficient to determine the clinical significance of the variant at this time. The frequency of this variant in the general population is higher than would generally be expected for pathogenic variants in this gene. Polyphen and MutationTaster yielded discordant predictions regarding whether this amino acid change is damaging to the protein.

Revvity Omics, Revvity
Classification: Uncertain significance. Last evaluated: 2020-02-04. Review status: criteria provided, single submitter. Criteria: ACMG Guidelines, 2015. Collection method: clinical testing. Allele origin: germline.

Literature cited by the submitters: PubMed 28074886 (cited by Athena Diagnostics); PubMed 36870059 (cited by Athena Diagnostics).